The following is an entry in ClinVar:

ClinVar aggregate classification (germline): Uncertain significance (1 of 4 stars; one submission).

Allele frequency attached by ClinVar (database versions not stated): TOPMed below 0.00001; ExAC 0.00001; gnomAD exomes 0.00001.
gnomAD v4.1: 10 of 1,613,532 alleles (0.00062%); highest among the groups gnomAD compares: Non-Finnish European, 0.00076%; no homozygotes.

Submission:

Labcorp Genetics (formerly Invitae), Labcorp
Classification: Uncertain significance. Last evaluated: 2022-06-22. Review status: criteria provided, single submitter. Criteria: Invitae Variant Classification Sherloc (09022015). Collection method: clinical testing. Allele origin: germline.
Comment: This sequence change replaces methionine, which is neutral and non-polar, with valine, which is neutral and non-polar, at codon 50 of the HIKESHI protein (p.Met50Val). This variant is present in population databases (rs746062689, gnomAD 0.0009%). In summary, the available evidence is currently insufficient to determine the role of this variant in disease. Therefore, it has been classified as a Variant of Uncertain Significance. Algorithms developed to predict the effect of missense changes on protein structure and function (SIFT, PolyPhen-2, Align-GVGD) all suggest that this variant is likely to be tolerated. This variant has not been reported in the literature in individuals affected with HIKESHI-related conditions.

NM_016401.4(HIKESHI):c.148A>G (p.Met50Val)

Gene: HIKESHI (heat shock protein nuclear import factor hikeshi; plus strand). Cytogenetic location: 11q14.2.
Variant type: single nucleotide variant.
Coding change: c.148A>G on transcript NM_016401.4 (MANE Select); coding-DNA position 148, A replaced by G.
Protein change: p.Met50Val; replaces methionine 50 with valine.
Molecular consequence: missense variant. On other transcripts: non-coding transcript variant (1).
Genome position (GRCh38, 1-based): chr11:86,306,362, A>G. VCF-style: chr11-86306362-A-G. GRCh37 (hg19) VCF-style: chr11-86017404-A-G.
Other names: c.148A>G, p.Met50Val (NM_001322404.2); c.31A>G, p.Met11Val (NM_001322407.2, NM_001322409.2); short protein forms M11V, M50V.
Identifiers: ClinVar variation 1946085 (VCV001946085.5), dbSNP rs746062689, ClinGen allele CA6216679.